The following is an entry in ClinVar:

NM_000368.5(TSC1):c.765T>G (p.Val255=)

Gene: TSC1 (TSC complex subunit 1; minus strand). Cytogenetic location: 9q34.13.
Variant type: single nucleotide variant.
Coding change: c.765T>G on transcript NM_000368.5 (MANE Select); coding-DNA position 765, T replaced by G.
Protein change: p.Val255=; no amino-acid change (valine 255 retained).
Molecular consequence: synonymous variant.
Genome position (GRCh38, 1-based): chr9:132,912,430, A>C on the plus strand (T>G on the coding strand, the complement: TSC1 is on the minus strand). VCF-style: chr9-132912430-A-C. GRCh37 (hg19) VCF-style: chr9-135787817-A-C.
Other names: c.765T>G, p.Val255= (NM_001162426.2); c.612T>G, p.Val204= (NM_001162427.2); c.402T>G, p.Val134= (NM_001362177.2).
Identifiers: ClinVar variation 827180 (VCV000827180.16), dbSNP rs1588327624, ClinGen allele CA467593608.
Genomic context (GRCh38, chr9:132,912,430, plus strand): 5'-ATAGCCATCTTCATATGAGGCTTCTGTGGGATCCAGAGAGATTTTGGCACACTCGATCAC[A>C]ACATCATGAGTTTCTAATCTCTTCCACCTGTAAAATGCAATGAAAGTCAAGAAATGCAAA-3'
Protein context (NP_000359.1, residues 245-265): RRWKRLETHD[Val255=]VIECAKISLD

ClinVar aggregate classification (germline): Benign/Likely benign. Review status: criteria provided, multiple submitters, no conflicts (2 of 4 stars). 4 submissions from 4 submitters: Benign (2); Likely benign (2). Last evaluated 2025-04-08.

Conditions:
Hereditary cancer-predisposing syndrome. Also called: Neoplastic Syndromes, Hereditary; Hereditary Cancer Syndrome; Hereditary neoplastic syndrome; Tumor predisposition. Identifiers: Orphanet 140162, MedGen C0027672, MeSH D009386, MONDO:0015356.
Tuberous sclerosis 1 (TSC1). Identifiers: Orphanet 805, MedGen C1854465, MONDO:0008612, OMIM 191100.

Submissions (4):

Myriad Genetics, Inc.
Classification: Benign for Tuberous sclerosis 1. Last evaluated: 2025-04-08. Review status: criteria provided, single submitter. Criteria: Myriad Autosomal Dominant, Autosomal Recessive and X-Linked Classification Criteria (2023). Collection method: clinical testing. Allele origin: unknown.
Comment: This variant is considered benign. This variant is a silent/synonymous amino acid change and it is not expected to impact splicing.

Genome-Nilou Lab
Classification: Benign for Tuberous sclerosis 1. Last evaluated: 2021-11-07. Review status: criteria provided, single submitter. Criteria: ACMG Guidelines, 2015. Collection method: clinical testing. Allele origin: germline. Affected: no.

Labcorp Genetics (formerly Invitae), Labcorp
Classification: Likely benign for Tuberous sclerosis 1. Last evaluated: 2020-06-12. Review status: criteria provided, single submitter. Criteria: Invitae Variant Classification Sherloc (09022015). Collection method: clinical testing. Allele origin: germline.

Ambry Genetics
Classification: Likely benign for Hereditary cancer-predisposing syndrome. Last evaluated: 2018-03-02. Review status: criteria provided, single submitter. Criteria: Ambry Variant Classification Scheme 2023. Collection method: clinical testing. Allele origin: germline.